The following is an entry in ClinVar:

ClinVar aggregate classification (germline): Pathogenic/Likely pathogenic. Review status: criteria provided, multiple submitters, no conflicts (2 of 4 stars). 2 submissions from 2 submitters: Pathogenic (1); Likely pathogenic (1). Last evaluated 2025-10-10.

Conditions:
Epilepsy, familial focal, with variable foci 3 (FFEVF3). Identifiers: MedGen C4310708, MONDO:0014925, OMIM 617118.

Allele frequency attached by ClinVar (database versions not stated): gnomAD 0.00001; 1000 Genomes Project 30x 0.00016; gnomAD exomes below 0.00001; ExAC 0.00001.
gnomAD v4.1: 2 of 1,613,904 alleles (0.00012%); highest among the groups gnomAD compares: African/African-American, 0.0013%; no homozygotes.

Submissions (2):

Labcorp Genetics (formerly Invitae), Labcorp
Classification: Pathogenic for Epilepsy, familial focal, with variable foci 3. Last evaluated: 2025-10-10. Review status: criteria provided, single submitter. Criteria: Invitae Variant Classification Sherloc (09022015). Collection method: clinical testing. Allele origin: germline.
Comment: This sequence change creates a premature translational stop signal (p.Gln300*) in the NPRL3 gene. It is expected to result in an absent or disrupted protein product. Loss-of-function variants in NPRL3 are known to be pathogenic (PMID: 26285051, 26505888). This variant is not present in population databases (gnomAD no frequency). This variant has not been reported in the literature in individuals affected with NPRL3-related conditions. ClinVar contains an entry for this variant (Variation ID: 1457332). For these reasons, this variant has been classified as Pathogenic.

Institute of Human Genetics Munich, TUM University Hospital
Classification: Likely pathogenic for Epilepsy, familial focal, with variable foci 3. Last evaluated: 2021-10-15. Review status: criteria provided, single submitter. Criteria: Classification criteria August 2017. Collection method: clinical testing. Allele origin: germline. Inheritance: Autosomal dominant inheritance. Affected: yes. Observed: 1 variant allele.

Literature cited by the submitters: PubMed 26285051 (cited by Labcorp Genetics (formerly Invitae), Labcorp); PubMed 26505888 (cited by Labcorp Genetics (formerly Invitae), Labcorp).

NM_001077350.3(NPRL3):c.898C>T (p.Gln300Ter)

Genes: HBA-LCR (alpha-globin locus control region; plus strand), NPRL3 (NPR3 like, GATOR1 complex subunit; minus strand). Cytogenetic location: 16p13.3.
Variant type: single nucleotide variant.
Coding change: c.898C>T on transcript NM_001077350.3 (MANE Select); coding-DNA position 898, C replaced by T.
Protein change: p.Gln300Ter; replaces glutamine 300 with a stop codon.
Molecular consequence: nonsense.
Genome position (GRCh38, 1-based): chr16:98,171, G>A on the plus strand (C>T on the coding strand, the complement: NPRL3 is on the minus strand). VCF-style: chr16-98171-G-A. GRCh37 (hg19) VCF-style: chr16-148169-G-A.
Other names: c.361C>T, p.Gln121Ter (NM_001039476.3); c.664C>T, p.Gln222Ter (NM_001243247.2); c.823C>T, p.Gln275Ter (NM_001243248.2, NM_001243249.2); short protein forms Q222*, Q275*, Q121*, Q300*.
Identifiers: ClinVar variation 1457332 (VCV001457332.7), dbSNP rs746975723, ClinGen allele CA7769515.